The following is an entry in ClinVar:

NM_000256.3(MYBPC3):c.226C>T (p.Gln76Ter)

Gene: MYBPC3 (myosin binding protein C3; minus strand). Cytogenetic location: 11p11.2.
Variant type: single nucleotide variant.
Coding change: c.226C>T on transcript NM_000256.3 (MANE Select); coding-DNA position 226, C replaced by T.
Protein change: p.Gln76Ter; replaces glutamine 76 with a stop codon.
Molecular consequence: nonsense.
Genome position (GRCh38, 1-based): chr11:47,351,305, G>A on the plus strand (C>T on the coding strand, the complement: MYBPC3 is on the minus strand). VCF-style: chr11-47351305-G-A. GRCh37 (hg19) VCF-style: chr11-47372856-G-A.
Other names: short protein forms Q76*.
Identifiers: ClinVar variation 2582595 (VCV002582595.2), dbSNP rs1383067193, ClinGen allele CA380341677.

ClinVar aggregate classification (germline): Pathogenic. Review status: criteria provided, multiple submitters, no conflicts (2 of 4 stars). 3 submissions from 2 submitters: Pathogenic (3). Last evaluated 2023-07-07.

Conditions:
Hypertrophic cardiomyopathy 4. Also called: Familial hypertrophic cardiomyopathy 4. Identifiers: MedGen C1861862, MONDO:0007268, OMIM 115197.
MYBPC3-related disorder. Also called: MYBPC3-related condition; MYBPC3-related disease; MYBPC3-related disorders.
Left ventricular noncompaction 10 (LVNC10). Identifiers: Orphanet 154, Orphanet 54260, MedGen C3715165, MONDO:0014163, OMIM 615396.

Submissions (3):

PreventionGenetics, part of Exact Sciences
Classification: Pathogenic for MYBPC3-related condition. Last evaluated: 2023-07-07. Review status: criteria provided, single submitter. Criteria: ACMG Guidelines, 2015. Collection method: clinical testing. Allele origin: germline.
Comment: The MYBPC3 c.226C>T variant is predicted to result in premature protein termination (p.Gln76*). In the heterozygous state, this variant was reported in eleven carriers without left ventricular hypertrophy on echocardiography. In the compound heterozygous state, it was reported in individuals with mild hypertrophic cardiomyopathy, and in the homozygous state, it was found to manifest a more severe phenotype (Richard et al. 2003. PubMed ID: 12707239; Wessels et al. 2015. PubMed ID: 25335496). This variant has not been reported in a large population database, indicating this variant is rare. Nonsense variants in MYBPC3 are expected to be pathogenic. This variant is interpreted as pathogenic.

Baylor Genetics
Classification: Pathogenic for Hypertrophic cardiomyopathy 4. Last evaluated: 2023-02-07. Review status: criteria provided, single submitter. Criteria: ACMG Guidelines, 2015. Collection method: clinical testing. Allele origin: unknown.

Baylor Genetics
Classification: Pathogenic for Left ventricular noncompaction 10. Last evaluated: 2023-02-07. Review status: criteria provided, single submitter. Criteria: ACMG Guidelines, 2015. Collection method: clinical testing. Allele origin: unknown.